The following is an entry in ClinVar:

NM_014159.7(SETD2):c.2553del (p.Glu851fs)

Gene: SETD2 (SET domain containing 2, histone lysine methyltransferase; minus strand). Cytogenetic location: 3p21.31.
Variant type: Deletion.
Coding change: c.2553del on transcript NM_014159.7 (MANE Select); coding-DNA position 2553, one base deleted (A; older notation c.2553delA).
Protein change: p.Glu851fs; shifts the reading frame from glutamic acid 851.
Molecular consequence: frameshift variant. On other transcripts: non-coding transcript variant (1).
Genome position (GRCh38, 1-based): chr3:47,122,083, T deleted on the plus strand (A on the coding strand, the reverse complement: SETD2 is on the minus strand); the first of 2 consecutive T bases (chr3:47,122,083-47,122,084); deleting either gives the same sequence. VCF-style (leftmost placement, unchanged base first): chr3-47122082-AT-A. GRCh37 (hg19) VCF-style: chr3-47163572-AT-A.
Other names: c.2421del, p.Glu807fs (NM_001349370.3); short protein forms E807fs, E851fs.
Identifiers: ClinVar variation 4530256 (VCV004530256.1).

ClinVar aggregate classification (somatic clinical impact): Tier II - Potential (1 of 4 stars; one submission).

Conditions:
Pilocytic astrocytoma. Also called: Pilocytic astrocytoma, somatic. Identifiers: Orphanet 251612, MedGen C0334583, MONDO:0016691, HP:0033680.

Submission:

Institute for Genomic Medicine (IGM) Clinical Laboratory, Nationwide Children's Hospital
Classification: Tier II - Potential for Pilocytic astrocytoma. Assertion type: diagnostic. Clinical significance: supports diagnosis. Last evaluated: 2023-02-16. Review status: criteria provided, single submitter. Criteria: AMP/ASCO/CAP Guidelines, 2017. Collection method: clinical testing. Allele origin: somatic. Affected: yes.
Comment: Variant has Tier II (potential) clinical significance as a diagnostic inclusion criterion in pilocytic astrocytoma, based on the following evidence: 1) Information in the literature supports potential biologic effect of variant (PMIDs: 23417712, 28064387). 2) Assists in diagnosis alone or along with other biomarkers based on small studies or few case reports (Evidence Level D; PMID: 30419952).

Literature cited by the submitters: PubMed 23417712; PubMed 28064387; PubMed 30419952.